The following is an entry in ClinVar:

ClinVar aggregate classification (germline): Benign (1 of 4 stars; one submission).

Allele frequency attached by ClinVar (database versions not stated): TOPMed 0.04798; 1000 Genomes Project 30x 0.05372; 1000 Genomes Project 0.05471.
gnomAD v4.1: 33,814 of 593,330 alleles (5.7%); highest among the groups gnomAD compares: East Asian, 12%; 1,232 homozygotes.

Submission:

GeneDx
Classification: Benign. Last evaluated: 2018-06-16. Review status: criteria provided, single submitter. Criteria: GeneDx Variant Classification (06012015). Collection method: clinical testing. Allele origin: germline. Affected: yes.
Comment: This variant is considered likely benign or benign based on one or more of the following criteria: it is a conservative change, it occurs at a poorly conserved position in the protein, it is predicted to be benign by multiple in silico algorithms, and/or has population frequency not consistent with disease.

NM_016097.5(IER3IP1):c.193+213T>G

Gene: IER3IP1 (immediate early response 3 interacting protein 1; minus strand). Cytogenetic location: 18q21.1.
Variant type: single nucleotide variant.
Coding change: c.193+213T>G on transcript NM_016097.5 (MANE Select); 213 bases into the intron after coding-DNA position 193, T replaced by G.
Molecular consequence: intron variant.
Genome position (GRCh38, 1-based): chr18:47,157,223, A>C on the plus strand (T>G on the coding strand, the complement: IER3IP1 is on the minus strand). VCF-style: chr18-47157223-A-C. GRCh37 (hg19) VCF-style: chr18-44683594-A-C.
Identifiers: ClinVar variation 670552 (VCV000670552.1), dbSNP rs12326412, ClinGen allele CA300177396.